The following is an entry in ClinVar:

NM_002641.4(PIGA):c.1424G>T (p.Gly475Val)

Gene: PIGA (phosphatidylinositol glycan anchor biosynthesis class A; minus strand). Cytogenetic location: Xp22.2.
Variant type: single nucleotide variant.
Coding change: c.1424G>T on transcript NM_002641.4 (MANE Select); coding-DNA position 1424, G replaced by T.
Protein change: p.Gly475Val; replaces glycine 475 with valine.
Molecular consequence: missense variant. On other transcripts: non-coding transcript variant (2).
Genome position (GRCh38, 1-based): chrX:15,321,537, C>A on the plus strand (G>T on the coding strand, the complement: PIGA is on the minus strand). VCF-style: chrX-15321537-C-A. GRCh37 (hg19) VCF-style: chrX-15339659-C-A.
Other names: c.722G>T, p.Gly241Val (NM_020473.3); short protein forms G475V, G241V.
Identifiers: ClinVar variation 2475842 (VCV002475842.2), dbSNP rs1301584122, ClinGen allele CA412332895.
Genomic context (GRCh38, chrX:15,321,537, plus strand): 5'-GTTTAAAATCTTACAATCTAGGCTTCCTTCTACCTGGTTTCAGATATCTCATTATTCTCA[C>A]CCCCTCTTTTACTGTGAGAATAGTTATTAGTCCAGGCACCCCGTGGCCCAGTGGCATCTA-3'
Protein context (NP_002632.1, residues 465-484): TNNYSHSKRG[Gly475Val]ENNEISETR

ClinVar aggregate classification (germline): Uncertain significance (1 of 4 stars; one submission).

Conditions:
Inborn genetic diseases. Identifiers: MedGen C0950123, MeSH D030342.

Submission:

Ambry Genetics
Classification: Uncertain significance for Inborn genetic diseases. Last evaluated: 2023-01-11. Review status: criteria provided, single submitter. Criteria: Ambry Variant Classification Scheme 2023. Collection method: clinical testing. Allele origin: germline.
Comment: The c.1424G>T (p.G475V) alteration is located in exon 6 (coding exon 5) of the PIGA gene. This alteration results from a G to T substitution at nucleotide position 1424, causing the glycine (G) at amino acid position 475 to be replaced by a valine (V). This variant was not reported in population-based cohorts in the Genome Aggregation Database (gnomAD). This amino acid position is not well conserved in available vertebrate species. This alteration is predicted to be tolerated by in silico analysis. Based on insufficient or conflicting evidence, the clinical significance of this alteration remains unclear.